The following is an entry in ClinVar:

NM_000687.4(AHCY):c.1292G>A (p.Arg431His)

Gene: AHCY (adenosylhomocysteinase; minus strand). Cytogenetic location: 20q11.22.
Variant type: single nucleotide variant.
Coding change: c.1292G>A on transcript NM_000687.4 (MANE Select); coding-DNA position 1292, G replaced by A.
Protein change: p.Arg431His; replaces arginine 431 with histidine.
Molecular consequence: missense variant.
Genome position (GRCh38, 1-based): chr20:34,281,041, C>T on the plus strand (G>A on the coding strand, the complement: AHCY is on the minus strand). VCF-style: chr20-34281041-C-T. GRCh37 (hg19) VCF-style: chr20-32868847-C-T.
Other names: c.1208G>A, p.Arg403His (NM_001161766.2, NM_001322084.2, NM_001322085.2); c.1298G>A, p.Arg433His (NM_001322086.2); c.1292G>A, p.Arg431His (NM_001362750.2); short protein forms R431H, R403H, R433H.
Identifiers: ClinVar variation 1949737 (VCV001949737.5), dbSNP rs1332079549, ClinGen allele CA408652128.
Genomic context (GRCh38, chr20:34,281,041, plus strand): 5'-AGGTGGGGCCTGGGCAAGGACAGCAGCTGGAGGGTGAAACGCAGACCTGGCTCTCAGTAG[C>T]GGTAGTGATCCGGCTTGAAGGGGCCATCACAGGACATGCCCAGGTACTGGGCTTGCTTCT-3'
Protein context (NP_000678.1, residues 421-432): CDGPFKPDHY[Arg431His]Y

ClinVar aggregate classification (germline): Uncertain significance (1 of 4 stars; one submission).

Conditions:
Hypermethioninemia with deficiency of S-adenosylhomocysteine hydrolase. Identifiers: Orphanet 88618, MedGen C3151058, MONDO:0013404, OMIM 613752.

Allele frequency attached by ClinVar (database versions not stated): gnomAD exomes below 0.00001.
gnomAD v4.1: 4 of 1,614,074 alleles (0.00025%); highest among the groups gnomAD compares: Non-Finnish European, 0.00025%; no homozygotes.

Submission:

Labcorp Genetics (formerly Invitae), Labcorp
Classification: Uncertain significance for Hypermethioninemia with deficiency of S-adenosylhomocysteine hydrolase. Last evaluated: 2022-05-27. Review status: criteria provided, single submitter. Criteria: Invitae Variant Classification Sherloc (09022015). Collection method: clinical testing. Allele origin: germline.
Comment: This sequence change replaces arginine, which is basic and polar, with histidine, which is basic and polar, at codon 431 of the AHCY protein (p.Arg431His). In summary, the available evidence is currently insufficient to determine the role of this variant in disease. Therefore, it has been classified as a Variant of Uncertain Significance. Algorithms developed to predict the effect of missense changes on protein structure and function are either unavailable or do not agree on the potential impact of this missense change (SIFT: "Not Available"; PolyPhen-2: "Benign"; Align-GVGD: "Not Available"). This variant has not been reported in the literature in individuals affected with AHCY-related conditions. This variant is present in population databases (no rsID available, gnomAD 0.003%).